The following is an entry in ClinVar:

NM_203288.2(RP9):c.209G>A (p.Cys70Tyr)

Gene: RP9 (RP9 pre-mRNA splicing factor; minus strand). Cytogenetic location: 7p14.3.
Variant type: single nucleotide variant.
Coding change: c.209G>A on transcript NM_203288.2 (MANE Select); coding-DNA position 209, G replaced by A.
Protein change: p.Cys70Tyr; replaces cysteine 70 with tyrosine.
Molecular consequence: missense variant.
Genome position (GRCh38, 1-based): chr7:33,099,411, C>T on the plus strand (G>A on the coding strand, the complement: RP9 is on the minus strand). VCF-style: chr7-33099411-C-T. GRCh37 (hg19) VCF-style: chr7-33139023-C-T.
Other names: short protein forms C70Y.
Identifiers: ClinVar variation 4713794 (VCV004713794.1).

ClinVar aggregate classification (germline): Uncertain significance (1 of 4 stars; one submission).

gnomAD v4.1: 2 of 1,613,404 alleles (0.00012%); highest among the groups gnomAD compares: Non-Finnish European, 0.00017%; no homozygotes.

Submission:

Labcorp Genetics (formerly Invitae), Labcorp
Classification: Uncertain significance. Last evaluated: 2025-04-14. Review status: criteria provided, single submitter. Criteria: Invitae Variant Classification Sherloc (09022015). Collection method: clinical testing. Allele origin: germline.
Comment: This sequence change replaces cysteine, which is neutral and slightly polar, with tyrosine, which is neutral and polar, at codon 70 of the RP9 protein (p.Cys70Tyr). This variant is not present in population databases (gnomAD no frequency). This variant has not been reported in the literature in individuals affected with RP9-related conditions. An algorithm developed to predict the effect of missense changes on protein structure and function (PolyPhen-2) suggests that this variant is likely to be disruptive. In summary, the available evidence is currently insufficient to determine the role of this variant in disease. Therefore, it has been classified as a Variant of Uncertain Significance.